The following is an entry in ClinVar:

ClinVar aggregate classification (germline): Uncertain significance. Review status: criteria provided, multiple submitters, no conflicts (2 of 4 stars). 2 submissions from 2 submitters: Uncertain significance (2). Last evaluated 2025-02-12.

Conditions:
Autosomal recessive limb-girdle muscular dystrophy type 2P. Also called: MUSCULAR DYSTROPHY-DYSTROGLYCANOPATHY, LIMB-GIRDLE, DAG1-RELATED; Limb-Girdle Muscular Dystrophy Type 9C; MUSCULAR DYSTROPHY, LIMB-GIRDLE, TYPE 2P. Identifiers: Orphanet 280333, MedGen C4511963, MONDO:0013440, OMIM 613818.
Muscular dystrophy-dystroglycanopathy (congenital with brain and eye anomalies), type A9. Also called: WALKER-WARBURG SYNDROME OR MUSCLE-EYE BRAIN DISEASE, DAG1-RELATED; Muscular dystrophy-dystroglycanopathy (congenital with brain and eye anomalies), type a, 9. Identifiers: Orphanet 370997, Orphanet 899, MedGen C4225291, MONDO:0014683, OMIM 616538.
Inborn genetic diseases. Identifiers: MedGen C0950123, MeSH D030342.

Allele frequency attached by ClinVar (database versions not stated): gnomAD exomes below 0.00001.
gnomAD v4.1: 1 of 1,614,220 alleles (0.000062%); highest among the groups gnomAD compares: Non-Finnish European, 0.000085%; no homozygotes.

Submissions (2):

Ambry Genetics
Classification: Uncertain significance for Inborn genetic diseases. Last evaluated: 2025-02-12. Review status: criteria provided, single submitter. Criteria: Ambry Variant Classification Scheme 2023. Collection method: clinical testing. Allele origin: germline.

Labcorp Genetics (formerly Invitae), Labcorp
Classification: Uncertain significance for Autosomal recessive limb-girdle muscular dystrophy type 2P; Muscular dystrophy-dystroglycanopathy (congenital with brain and eye anomalies), type A9. Last evaluated: 2022-06-05. Review status: criteria provided, single submitter. Criteria: Invitae Variant Classification Sherloc (09022015). Collection method: clinical testing. Allele origin: germline.
Comment: In summary, the available evidence is currently insufficient to determine the role of this variant in disease. Therefore, it has been classified as a Variant of Uncertain Significance. Algorithms developed to predict the effect of missense changes on protein structure and function are either unavailable or do not agree on the potential impact of this missense change (SIFT: "Tolerated"; PolyPhen-2: "Possibly Damaging"; Align-GVGD: "Class C0"). This variant is not present in population databases (gnomAD no frequency). This variant has not been reported in the literature in individuals affected with DAG1-related conditions. ClinVar contains an entry for this variant (Variation ID: 1346019). This sequence change replaces serine, which is neutral and polar, with phenylalanine, which is neutral and non-polar, at codon 106 of the DAG1 protein (p.Ser106Phe).

NM_004393.6(DAG1):c.317C>T (p.Ser106Phe)

Gene: DAG1 (dystroglycan 1; plus strand). Cytogenetic location: 3p21.31.
Variant type: single nucleotide variant.
Coding change: c.317C>T on transcript NM_004393.6 (MANE Select); coding-DNA position 317, C replaced by T.
Protein change: p.Ser106Phe; replaces serine 106 with phenylalanine.
Molecular consequence: missense variant.
Genome position (GRCh38, 1-based): chr3:49,530,828, C>T. VCF-style: chr3-49530828-C-T. GRCh37 (hg19) VCF-style: chr3-49568261-C-T.
Other names: c.317C>T, p.Ser106Phe (NM_001165928.4, NM_001177634.3, NM_001177635.3 and 9 more transcripts); c.317C>T (NM_004393.4); short protein forms S106F.
Identifiers: ClinVar variation 1346019 (VCV001346019.5), dbSNP rs969302268, ClinGen allele CA74521695.
Genomic context (GRCh38, chr3:49,530,828, plus strand): 5'-TTTTTAATTTATGCTTGTGTCTCTTCTAGGTATCAGCGGCAGGGAAGGAGGCTTTGCCAT[C>T]TTGGCTGCACTGGGACTCACAGAGCCACACCCTGGAGGGCCTCCCCCTTGACACTGATAA-3'
Protein context (NP_004384.5, residues 96-116): VSAAGKEALP[Ser106Phe]WLHWDSQSHT